The following is an entry in ClinVar:

NM_019032.6(ADAMTSL4):c.2977C>G (p.Arg993Gly)

Gene: ADAMTSL4 (ADAMTS like 4; plus strand). Cytogenetic location: 1q21.2.
Variant type: single nucleotide variant.
Coding change: c.2977C>G on transcript NM_019032.6 (MANE Select); coding-DNA position 2977, C replaced by G.
Protein change: p.Arg993Gly; replaces arginine 993 with glycine.
Molecular consequence: missense variant.
Genome position (GRCh38, 1-based): chr1:150,559,794, C>G. VCF-style: chr1-150559794-C-G. GRCh37 (hg19) VCF-style: chr1-150532270-C-G.
Other names: c.2860C>G, p.Arg954Gly (NM_001288607.2); c.3046C>G, p.Arg1016Gly (NM_001288608.2); c.2977C>G, p.Arg993Gly (NM_001378596.1); short protein forms R1016G, R954G, R993G.
Identifiers: ClinVar variation 1717351 (VCV001717351.5), dbSNP rs202246511, ClinGen allele CA342318326.

ClinVar aggregate classification (germline): Uncertain significance (1 of 4 stars; one submission).

Submission:

Labcorp Genetics (formerly Invitae), Labcorp
Classification: Uncertain significance. Last evaluated: 2022-08-21. Review status: criteria provided, single submitter. Criteria: Invitae Variant Classification Sherloc (09022015). Collection method: clinical testing. Allele origin: germline.
Comment: This variant has not been reported in the literature in individuals affected with ADAMTSL4-related conditions. In summary, the available evidence is currently insufficient to determine the role of this variant in disease. Therefore, it has been classified as a Variant of Uncertain Significance. Algorithms developed to predict the effect of missense changes on protein structure and function (SIFT, PolyPhen-2, Align-GVGD) all suggest that this variant is likely to be disruptive. This variant is not present in population databases (gnomAD no frequency). This sequence change replaces arginine, which is basic and polar, with glycine, which is neutral and non-polar, at codon 993 of the ADAMTSL4 protein (p.Arg993Gly).